The following is an entry in ClinVar:

NM_000035.4(ALDOB):c.*552T>A

Gene: ALDOB (aldolase, fructose-bisphosphate B; minus strand). Cytogenetic location: 9q31.1.
Variant type: single nucleotide variant.
Coding change: c.*552T>A on transcript NM_000035.4 (MANE Select); 552 bases downstream of the stop codon, T replaced by A.
Molecular consequence: 3 prime UTR variant.
Genome position (GRCh38, 1-based): chr9:101,421,257, A>T on the plus strand (T>A on the coding strand, the complement: ALDOB is on the minus strand). VCF-style: chr9-101421257-A-T. GRCh37 (hg19) VCF-style: chr9-104183539-A-T.
Other names: c.*552T>A (LRG_1244t1).
Identifiers: ClinVar variation 364298 (VCV000364298.6), dbSNP rs41308902, ClinGen allele CA10628614.

ClinVar aggregate classification (germline): Benign. Review status: criteria provided, multiple submitters, no conflicts (2 of 4 stars). 2 submissions from 2 submitters: Benign (2). Last evaluated 2018-01-13.

Conditions:
Hereditary fructosuria. Also called: Fructose intolerance; ALDOB DEFICIENCY; ALDOLASE B DEFICIENCY; FRUCTOSE-1,6-BISPHOSPHATE ALDOLASE B DEFICIENCY; FRUCTOSE-1-PHOSPHATE ALDOLASE DEFICIENCY; FRUCTOSEMIA. Identifiers: Orphanet 469, MedGen C0016751, MONDO:0009249, OMIM 229600, HP:0005973. Disease mechanism: loss of function.

Allele frequency attached by ClinVar (database versions not stated): 1000 Genomes Project 0.06270; 1000 Genomes Project 30x 0.06683; TOPMed 0.07745; gnomAD 0.07841 and 0.07868; gnomAD exomes 0.09655.
gnomAD v4.1: 13,220 of 164,460 alleles (8%); highest among the groups gnomAD compares: Middle Eastern, 16%; 621 homozygotes.

Submissions (2):

Illumina Laboratory Services, Illumina
Classification: Benign for Hereditary fructosuria. Last evaluated: 2018-01-13. Review status: criteria provided, single submitter. Criteria: ICSL Variant Classification Criteria 13 December 2019. Collection method: clinical testing. Allele origin: germline.
Comment: This variant was observed in the ICSL laboratory as part of a predisposition screen in an ostensibly healthy population. It had not been previously curated by ICSL or reported in the Human Gene Mutation Database (HGMD: prior to June 1st, 2018), and was therefore a candidate for classification through an automated scoring system. Utilizing variant allele frequency, disease prevalence and penetrance estimates, and inheritance mode, an automated score was calculated to assess if this variant is too frequent to cause the disease. Based on the score and internal cut-off values, a variant classified as benign is not then subjected to further curation. The score for this variant resulted in a classification of benign for this disease.

Breakthrough Genomics
Classification: Benign. Review status: criteria provided, single submitter. Criteria: ACMG Guidelines, 2015. Collection method: not provided. Allele origin: germline. Inheritance: Autosomal recessive inheritance. Affected: yes.